The following is an entry in ClinVar:

NM_000257.4(MYH7):c.2684A>G (p.Gln895Arg)

Gene: MYH7 (myosin heavy chain 7; minus strand). Cytogenetic location: 14q11.2.
Variant type: single nucleotide variant.
Coding change: c.2684A>G on transcript NM_000257.4 (MANE Select); coding-DNA position 2684, A replaced by G.
Protein change: p.Gln895Arg; replaces glutamine 895 with arginine.
Molecular consequence: missense variant.
Genome position (GRCh38, 1-based): chr14:23,424,145, T>C on the plus strand (A>G on the coding strand, the complement: MYH7 is on the minus strand). VCF-style: chr14-23424145-T-C. GRCh37 (hg19) VCF-style: chr14-23893354-T-C.
Other names: short protein forms Q895R.
Identifiers: ClinVar variation 924660 (VCV000924660.5), dbSNP rs1892600025, ClinGen allele CA389047389.

ClinVar aggregate classification (germline): Uncertain significance (1 of 4 stars; one submission).

Conditions:
Cardiomyopathy (CMYO). Also called: Cardiomyopathies. Identifiers: Orphanet 167848, MedGen C0878544, MONDO:0004994, HP:0001638. Inheritance: Various modes of inheritance.

Submission:

Color Diagnostics, LLC DBA Color Health
Classification: Uncertain significance for Cardiomyopathy. Last evaluated: 2023-12-04. Review status: criteria provided, single submitter. Criteria: ACMG Guidelines, 2015. Collection method: clinical testing. Allele origin: germline.
Comment: This missense variant replaces glutamine with arginine at codon 895 of the MYH7 protein. Computational prediction tools and conservation analyses are inconclusive regarding the impact of this variant on the protein function. Computational splicing tools suggest that this variant may not impact RNA splicing. To our knowledge, functional assays have not been performed for this variant nor has this variant been reported in individuals affected with cardiovascular disorders in the literature. This variant has not been identified in the general population by the Genome Aggregation Database (gnomAD). Available evidence is insufficient to determine the role of this variant in disease conclusively. Therefore, this variant is classified as a Variant of Uncertain Significance.